The following is an entry in ClinVar:

ClinVar aggregate classification (germline): Uncertain significance. Review status: criteria provided, multiple submitters, no conflicts (2 of 4 stars). 4 submissions from 4 submitters: Uncertain significance (4). Last evaluated 2025-08-22.

Conditions:
Hereditary cancer-predisposing syndrome. Also called: Tumor predisposition; Hereditary Cancer Syndrome; Neoplastic Syndromes, Hereditary; Hereditary neoplastic syndrome. Identifiers: Orphanet 140162, MedGen C0027672, MeSH D009386, MONDO:0015356.
Holoprosencephaly 7 (HPE7). Identifiers: Orphanet 2162, MedGen C1835820, MONDO:0012562, OMIM 610828.
Gorlin syndrome. Also called: Basal cell nevus syndrome; Nevoid Basal Cell Carcinoma Syndrome. Identifiers: Orphanet 377, MedGen C0004779, MONDO:0007187.
Basal cell carcinoma, susceptibility to, 1. Also called: BCC1. Identifiers: MedGen C2751544, MONDO:0011556, OMIM 605462.

Allele frequency attached by ClinVar (database versions not stated): gnomAD exomes below 0.00001.
gnomAD v4.1: 2 of 1,614,206 alleles (0.00012%); highest among the groups gnomAD compares: Non-Finnish European, 0.00017%; no homozygotes.

Submissions (4):

Quest Diagnostics Nichols Institute San Juan Capistrano
Classification: Uncertain significance. Last evaluated: 2025-08-22. Review status: criteria provided, single submitter. Criteria: Quest Diagnostics criteria. Collection method: clinical testing. Allele origin: unknown.
Comment: The PTCH1 c.2408T>C (p.Met803Thr) variant has not been reported in individuals with PTCH1-related conditions in the published literature. This variant has not been reported in large, multi-ethnic general populations (Genome Aggregation Database). Analysis of this variant using bioinformatics tools for the prediction of the effect of amino acid changes on protein structure and function yielded predictions that this variant is damaging. Based on the available information, we are unable to determine the clinical significance of this variant.

Ambry Genetics
Classification: Uncertain significance for Hereditary cancer-predisposing syndrome. Last evaluated: 2025-02-06. Review status: criteria provided, single submitter. Criteria: Ambry Variant Classification Scheme 2023. Collection method: clinical testing. Allele origin: germline.
Comment: The p.M803T variant (also known as c.2408T>C), located in coding exon 15 of the PTCH1 gene, results from a T to C substitution at nucleotide position 2408. The methionine at codon 803 is replaced by threonine, an amino acid with similar properties. This amino acid position is highly conserved in available vertebrate species. In addition, this alteration is predicted to be deleterious by in silico analysis. Based on the available evidence, the clinical significance of this variant remains unclear.

Labcorp Genetics (formerly Invitae), Labcorp
Classification: Uncertain significance for Gorlin syndrome. Last evaluated: 2024-07-20. Review status: criteria provided, single submitter. Criteria: Invitae Variant Classification Sherloc (09022015). Collection method: clinical testing. Allele origin: germline.
Comment: This sequence change replaces methionine, which is neutral and non-polar, with threonine, which is neutral and polar, at codon 803 of the PTCH1 protein (p.Met803Thr). This variant is not present in population databases (gnomAD no frequency). This variant has not been reported in the literature in individuals affected with PTCH1-related conditions. ClinVar contains an entry for this variant (Variation ID: 453823). Advanced modeling of protein sequence and biophysical properties (such as structural, functional, and spatial information, amino acid conservation, physicochemical variation, residue mobility, and thermodynamic stability) has been performed at Invitae for this missense variant, however the output from this modeling did not meet the statistical confidence thresholds required to predict the impact of this variant on PTCH1 protein function. In summary, the available evidence is currently insufficient to determine the role of this variant in disease. Therefore, it has been classified as a Variant of Uncertain Significance.

Fulgent Genetics
Classification: Uncertain significance for Basal cell nevus syndrome 1; Basal cell carcinoma, susceptibility to, 1; Holoprosencephaly 7. Last evaluated: 2021-10-01. Review status: criteria provided, single submitter. Criteria: ACMG Guidelines, 2015. Collection method: clinical testing. Allele origin: unknown.

NM_000264.5(PTCH1):c.2408T>C (p.Met803Thr)

Genes: PTCH1 (patched 1; minus strand), LOC100507346 (uncharacterized LOC100507346; plus strand). Cytogenetic location: 9q22.32.
Variant type: single nucleotide variant.
Coding change: c.2408T>C on transcript NM_000264.5 (MANE Select); coding-DNA position 2408, T replaced by C.
Protein change: p.Met803Thr; replaces methionine 803 with threonine.
Molecular consequence: missense variant.
Genome position (GRCh38, 1-based): chr9:95,467,268, A>G on the plus strand (T>C on the coding strand, the complement: PTCH1 is on the minus strand). VCF-style: chr9-95467268-A-G. GRCh37 (hg19) VCF-style: chr9-98229550-A-G.
Other names: c.2210T>C, p.Met737Thr (NM_001083602.3); c.2405T>C, p.Met802Thr (NM_001083603.3); c.1955T>C, p.Met652Thr (NM_001083604.3, NM_001083605.3, NM_001083606.3 and 1 more transcripts); c.2252T>C, p.Met751Thr (NM_001354918.2); c.2408T>C (NM_000264.4); short protein forms M737T, M803T, M652T, M802T, M751T.
Identifiers: ClinVar variation 453823 (VCV000453823.18), dbSNP rs1554694376, ClinGen allele CA374114313.